The following is an entry in ClinVar:

ClinVar aggregate classification (germline): Uncertain significance (1 of 4 stars; one submission).

Conditions:
Hereditary spastic paraplegia 30. Identifiers: Orphanet 101010, MedGen C5235139, MONDO:0012476.
Neuropathy, hereditary sensory, type 2C. Also called: KIF1A-Related HSAN2 (HSAN2C); Hereditary sensory and autonomic neuropathy type IIC. Identifiers: Orphanet 970, MedGen C3280168, MONDO:0013634, OMIM 614213.
Intellectual disability, autosomal dominant 9 (NESCAVS). Also called: KIF1A-Related Neurodevelopmental Disorder; NESCAV SYNDROME. Identifiers: Orphanet 662367, MedGen C5393830, MONDO:0013656, OMIM 614255.

Allele frequency attached by ClinVar (database versions not stated): gnomAD exomes 0.00001; TOPMed 0.00001.

Submission:

Labcorp Genetics (formerly Invitae), Labcorp
Classification: Uncertain significance for Hereditary spastic paraplegia 30; Neuropathy, hereditary sensory, type 2C; Intellectual disability, autosomal dominant 9. Last evaluated: 2026-01-04. Review status: criteria provided, single submitter. Criteria: Invitae Variant Classification Sherloc (09022015). Collection method: clinical testing. Allele origin: germline.
Comment: This sequence change affects codon 1677 of the KIF1A mRNA. It is a 'silent' change, meaning that it does not change the encoded amino acid sequence of the KIF1A protein. It affects a nucleotide within the consensus splice site. This variant is not present in population databases (gnomAD no frequency). This variant has not been reported in the literature in individuals affected with KIF1A-related conditions. ClinVar contains an entry for this variant (Variation ID: 1476119). Algorithms developed to predict the effect of sequence changes on RNA splicing suggest that this variant is not likely to affect RNA splicing. In summary, the available evidence is currently insufficient to determine the role of this variant in disease. Therefore, it has been classified as a Variant of Uncertain Significance.

NM_001244008.2(KIF1A):c.5334G>A (p.Arg1778=)

Gene: KIF1A (kinesin family member 1A; minus strand). Cytogenetic location: 2q37.3.
Variant type: single nucleotide variant.
Coding change: c.5334G>A on transcript NM_001244008.2 (MANE Select); coding-DNA position 5334, G replaced by A.
Protein change: p.Arg1778=; no amino-acid change (arginine 1778 retained).
Molecular consequence: synonymous variant.
Genome position (GRCh38, 1-based): chr2:240,717,406, C>T on the plus strand (G>A on the coding strand, the complement: KIF1A is on the minus strand). VCF-style: chr2-240717406-C-T. GRCh37 (hg19) VCF-style: chr2-241656823-C-T.
Other names: c.5058G>A, p.Arg1686= (NM_001320705.2, NM_001379649.1); c.5085G>A, p.Arg1695= (NM_001330289.2); c.5133G>A, p.Arg1711= (NM_001330290.2, NM_001379648.1); c.5409G>A, p.Arg1803= (NM_001379631.1); c.5310G>A, p.Arg1770= (NM_001379632.1); c.5307G>A, p.Arg1769= (NM_001379633.1, NM_001379645.1); c.5160G>A, p.Arg1720= (NM_001379634.1); c.5157G>A, p.Arg1719= (NM_001379635.1, NM_001379646.1); and 8 more.
Identifiers: ClinVar variation 1476119 (VCV001476119.6), dbSNP rs2044685522, ClinGen allele CA432006951.